The following is an entry in ClinVar:

NM_005198.5(CHKB):c.537G>A (p.Met179Ile)

Genes: CHKB-CPT1B (CHKB-CPT1B readthrough (NMD candidate); minus strand), CHKB (choline kinase beta; minus strand). Cytogenetic location: 22q13.33.
Variant type: single nucleotide variant.
Coding change: c.537G>A on transcript NM_005198.5 (MANE Select); coding-DNA position 537, G replaced by A.
Protein change: p.Met179Ile; replaces methionine 179 with isoleucine.
Molecular consequence: missense variant. On other transcripts: non-coding transcript variant (1).
Genome position (GRCh38, 1-based): chr22:50,581,464, C>T on the plus strand (G>A on the coding strand, the complement: CHKB is on the minus strand). VCF-style: chr22-50581464-C-T. GRCh37 (hg19) VCF-style: chr22-51019893-C-T.
Other names: c.537G>A (NM_005198.4); short protein forms M179I.
Identifiers: ClinVar variation 1349801 (VCV001349801.7), dbSNP rs1354225212, ClinGen allele CA412200411.

ClinVar aggregate classification (germline): Uncertain significance. Review status: criteria provided, multiple submitters, no conflicts (2 of 4 stars). 2 submissions from 2 submitters: Uncertain significance (2). Last evaluated 2025-06-22.

Conditions:
Inborn genetic diseases. Identifiers: MedGen C0950123, MeSH D030342.
Megaconial type congenital muscular dystrophy (MDCMC). Also called: CHKB-Related Muscle Diseases; CHKB-Related Muscular Dystrophy; MUSCULAR DYSTROPHY, CONGENITAL, WITH MITOCHONDRIAL STRUCTURAL ABNORMALITIES. Identifiers: Orphanet 280671, MedGen C1865233, MONDO:0011246, OMIM 602541.

Allele frequency attached by ClinVar (database versions not stated): gnomAD exomes below 0.00001 and 0.00001; gnomAD 0.00001 and 0.00002; TOPMed 0.00001.

Submissions (2):

Ambry Genetics
Classification: Uncertain significance for Inborn genetic diseases. Last evaluated: 2025-06-22. Review status: criteria provided, single submitter. Criteria: Ambry Variant Classification Scheme 2023. Collection method: clinical testing. Allele origin: germline.

Labcorp Genetics (formerly Invitae), Labcorp
Classification: Uncertain significance for Megaconial type congenital muscular dystrophy. Last evaluated: 2022-08-16. Review status: criteria provided, single submitter. Criteria: Invitae Variant Classification Sherloc (09022015). Collection method: clinical testing. Allele origin: germline.
Comment: The frequency data for this variant in the population databases is considered unreliable, as metrics indicate poor data quality at this position in the gnomAD database. ClinVar contains an entry for this variant (Variation ID: 1349801). This variant has not been reported in the literature in individuals affected with CHKB-related conditions. This sequence change replaces methionine, which is neutral and non-polar, with isoleucine, which is neutral and non-polar, at codon 179 of the CHKB protein (p.Met179Ile). Algorithms developed to predict the effect of missense changes on protein structure and function are either unavailable or do not agree on the potential impact of this missense change (SIFT: "Tolerated"; PolyPhen-2: "Possibly Damaging"; Align-GVGD: "Class C0"). In summary, the available evidence is currently insufficient to determine the role of this variant in disease. Therefore, it has been classified as a Variant of Uncertain Significance.